The following is an entry in ClinVar:

NM_001134363.3(RBM20):c.3088A>C (p.Lys1030Gln)

Gene: RBM20 (RNA binding motif protein 20; plus strand). Cytogenetic location: 10q25.2.
Variant type: single nucleotide variant.
Coding change: c.3088A>C on transcript NM_001134363.3 (MANE Select); coding-DNA position 3088, A replaced by C.
Protein change: p.Lys1030Gln; replaces lysine 1030 with glutamine.
Molecular consequence: missense variant.
Genome position (GRCh38, 1-based): chr10:110,821,707, A>C. VCF-style: chr10-110821707-A-C. GRCh37 (hg19) VCF-style: chr10-112581465-A-C.
Other names: short protein forms K1030Q.
Identifiers: ClinVar variation 2449379 (VCV002449379.2), dbSNP rs2493494748, ClinGen allele CA378380726.
Genomic context (GRCh38, chr10:110,821,707, plus strand): 5'-CCAGCTGAAAGTGAGACAGGCCTCTCCCTGGAGGATTCAGATTGCTACGAGAAGGAGGCA[A>C]AGGGAGTGGAGAGCTCAGATGTTCATCCAGCCCCTACAGTCCAGCAAATGTCTTCCCCTA-3'
Protein context (NP_001127835.2, residues 1020-1040): EDSDCYEKEA[Lys1030Gln]GVESSDVHPA

ClinVar aggregate classification (germline): Uncertain significance (1 of 4 stars; one submission).

Conditions:
Cardiovascular phenotype. Identifiers: MedGen CN230736.

Allele frequency attached by ClinVar (database versions not stated): gnomAD exomes below 0.00001.
gnomAD v4.1: 2 of 1,551,766 alleles (0.00013%); highest among the groups gnomAD compares: African/African-American, 0.0014%; no homozygotes.

Submission:

Ambry Genetics
Classification: Uncertain significance for Cardiovascular phenotype. Last evaluated: 2022-11-10. Review status: criteria provided, single submitter. Criteria: Ambry Variant Classification Scheme 2023. Collection method: clinical testing. Allele origin: germline.
Comment: The p.K1030Q variant (also known as c.3088A>C), located in coding exon 11 of the RBM20 gene, results from an A to C substitution at nucleotide position 3088. The lysine at codon 1030 is replaced by glutamine, an amino acid with similar properties. This amino acid position is conserved. In addition, this alteration is predicted to be tolerated by in silico analysis. Since supporting evidence is limited at this time, the clinical significance of this alteration remains unclear.